The following is an entry in ClinVar:

NM_016247.4(IMPG2):c.1846T>C (p.Trp616Arg)

Gene: IMPG2 (interphotoreceptor matrix proteoglycan 2; minus strand). Cytogenetic location: 3q12.3.
Variant type: single nucleotide variant.
Coding change: c.1846T>C on transcript NM_016247.4 (MANE Select); coding-DNA position 1846, T replaced by C.
Protein change: p.Trp616Arg; replaces tryptophan 616 with arginine.
Molecular consequence: missense variant.
Genome position (GRCh38, 1-based): chr3:101,244,485, A>G on the plus strand (T>C on the coding strand, the complement: IMPG2 is on the minus strand). VCF-style: chr3-101244485-A-G. GRCh37 (hg19) VCF-style: chr3-100963329-A-G.
Other names: short protein forms W616R.
Identifiers: ClinVar variation 968325 (VCV000968325.9), dbSNP rs1706451710, ClinGen allele CA353859937.

ClinVar aggregate classification (germline): Uncertain significance (1 of 4 stars; one submission).

Allele frequency attached by ClinVar (database versions not stated): gnomAD exomes below 0.00001; TOPMed below 0.00001.
gnomAD v4.1: 4 of 1,613,614 alleles (0.00025%); highest among the groups gnomAD compares: Non-Finnish European, 0.00034%; no homozygotes.

Submission:

Labcorp Genetics (formerly Invitae), Labcorp
Classification: Uncertain significance. Last evaluated: 2019-11-15. Review status: criteria provided, single submitter. Criteria: Invitae Variant Classification Sherloc (09022015). Collection method: clinical testing. Allele origin: germline.
Comment: Algorithms developed to predict the effect of missense changes on protein structure and function output the following: SIFT: "Deleterious"; PolyPhen-2: "Possibly Damaging"; Align-GVGD: "Class C65". The arginine amino acid residue is found in multiple mammalian species, suggesting that this missense change does not adversely affect protein function. These predictions have not been confirmed by published functional studies and their clinical significance is uncertain. This sequence change replaces tryptophan with arginine at codon 616 of the IMPG2 protein (p.Trp616Arg). The tryptophan residue is highly conserved and there is a moderate physicochemical difference between tryptophan and arginine. This variant is not present in population databases (ExAC no frequency). This variant has not been reported in the literature in individuals with IMPG2-related conditions. In summary, the available evidence is currently insufficient to determine the role of this variant in disease. Therefore, it has been classified as a Variant of Uncertain Significance.